The following is an entry in ClinVar:

NM_001148.6(ANK2):c.9936C>T (p.Ser3312=)

Gene: ANK2 (ankyrin 2; plus strand). Cytogenetic location: 4q26.
Variant type: single nucleotide variant.
Coding change: c.9936C>T on transcript NM_001148.6 (MANE Select); coding-DNA position 9936, C replaced by T.
Protein change: p.Ser3312=; no amino-acid change (serine 3312 retained).
Molecular consequence: synonymous variant. On other transcripts: intron variant (68).
Genome position (GRCh38, 1-based): chr4:113,358,554, C>T. VCF-style: chr4-113358554-C-T. GRCh37 (hg19) VCF-style: chr4-114279710-C-T.
Other names: c.9702C>T, p.Ser3234= (NM_001386142.1); c.6336C>T, p.Ser2112= (NM_001386166.1); c.10077C>T, p.Ser3359= (NM_001386174.1); c.10053C>T, p.Ser3351= (NM_001386175.1); c.4412-2269C>T (NM_001386186.2, NM_001386148.2); c.4214-2269C>T (NM_001354269.3); c.4292-2269C>T (NM_001386187.2); c.4253-2269C>T (NM_001386147.1); and 35 more.
Identifiers: ClinVar variation 390335 (VCV000390335.12), dbSNP rs758162927, ClinGen allele CA3052005.
Genomic context (GRCh38, chr4:113,358,554, plus strand): 5'-GGAGAATGTGCCTTTTACTGAAAGCAAATCCAAAATTCCTGTAAGGACTATGCCCACTTC[C>T]ACCCCAGCACCTCCATCTGCAGAGTATGAGAGTTCAGTTTCTGAAGATTTTCTATCCAGT-3'
Protein context (NP_001139.3, residues 3302-3322): SKIPVRTMPT[Ser3312=]TPAPPSAEYE

ClinVar aggregate classification (germline): Benign/Likely benign. Review status: criteria provided, multiple submitters, no conflicts (2 of 4 stars). 5 submissions from 5 submitters: Benign (2); Likely benign (3). Last evaluated 2025-12-21.

Conditions:
Cardiovascular phenotype. Identifiers: MedGen CN230736.
Long QT syndrome (LQTS). Identifiers: MedGen C0023976, MeSH D008133, MONDO:0002442. Disease mechanism: loss of function. Inheritance: Various modes of inheritance.
Cardiac arrhythmia, ankyrin-B-related. Also called: ANKYRIN-B SYNDROME. Identifiers: Orphanet 101016, Orphanet 768, MedGen C1970119, MONDO:0010958, OMIM 600919.

Allele frequency attached by ClinVar (database versions not stated): gnomAD 0.00005; gnomAD exomes 0.00013 and 0.00030; TOPMed 0.00017; ExAC 0.00031.
gnomAD v4.1: 91 of 1,613,944 alleles (0.0056%); highest among the groups gnomAD compares: Admixed American, 0.14%; no homozygotes.

Submissions (5):

Labcorp Genetics (formerly Invitae), Labcorp
Classification: Benign for Long QT syndrome. Last evaluated: 2025-12-21. Review status: criteria provided, single submitter. Criteria: Invitae Variant Classification Sherloc (09022015). Collection method: clinical testing. Allele origin: germline.

Genome-Nilou Lab
Classification: Benign for Cardiac arrhythmia, ankyrin-B-related. Last evaluated: 2021-12-05. Review status: criteria provided, single submitter. Criteria: ACMG Guidelines, 2015. Collection method: clinical testing. Allele origin: germline. Affected: no.

Fulgent Genetics
Classification: Likely benign for Cardiac arrhythmia, ankyrin-B-related. Last evaluated: 2021-07-26. Review status: criteria provided, single submitter. Criteria: ACMG Guidelines, 2015. Collection method: clinical testing. Allele origin: unknown.

Ambry Genetics
Classification: Likely benign for Cardiovascular phenotype. Last evaluated: 2018-06-20. Review status: criteria provided, single submitter. Criteria: Ambry Variant Classification Scheme 2023. Collection method: clinical testing. Allele origin: germline.

GeneDx
Classification: Likely benign. Last evaluated: 2016-10-25. Review status: criteria provided, single submitter. Criteria: GeneDx Variant Classification (06012015). Collection method: clinical testing. Allele origin: germline. Affected: yes.
Comment: This variant is considered likely benign or benign based on one or more of the following criteria: it is a conservative change, it occurs at a poorly conserved position in the protein, it is predicted to be benign by multiple in silico algorithms, and/or has population frequency not consistent with disease.